The following is an entry in ClinVar:

NM_030912.3(TRIM8):c.1186G>A (p.Val396Met)

Gene: TRIM8 (tripartite motif containing 8; plus strand). Cytogenetic location: 10q24.32.
Variant type: single nucleotide variant.
Coding change: c.1186G>A on transcript NM_030912.3 (MANE Select); coding-DNA position 1186, G replaced by A.
Protein change: p.Val396Met; replaces valine 396 with methionine.
Molecular consequence: missense variant. On other transcripts: non-coding transcript variant (1).
Genome position (GRCh38, 1-based): chr10:102,656,884, G>A. VCF-style: chr10-102656884-G-A. GRCh37 (hg19) VCF-style: chr10-104416641-G-A.
Other names: c.1090G>A, p.Val364Met (NM_001345950.1); short protein forms V396M, V364M.
Identifiers: ClinVar variation 1974626 (VCV001974626.5), dbSNP rs1235655380, ClinGen allele CA377931401.
Genomic context (GRCh38, chr10:102,656,884, plus strand): 5'-AAGCGCAAGCACTCAACGGCCTTCCCAGAGGCCAGTTTCCTAGAGACGTCGTCGGGCCCT[G>A]TGGGCGGCCAGTACGGGGCGGCGGGCACAGCCAGCGGTGAGGGCCAGTCTGGGCAGCCCC-3'
Protein context (NP_112174.2, residues 386-406): ASFLETSSGP[Val396Met]GGQYGAAGTA

ClinVar aggregate classification (germline): Uncertain significance (1 of 4 stars; one submission).

Allele frequency attached by ClinVar (database versions not stated): gnomAD exomes below 0.00001.
gnomAD v4.1: 1 of 1,578,266 alleles (0.000063%); highest among the groups gnomAD compares: Non-Finnish European, 0.000086%; no homozygotes.

Submission:

Labcorp Genetics (formerly Invitae), Labcorp
Classification: Uncertain significance. Last evaluated: 2022-03-11. Review status: criteria provided, single submitter. Criteria: Invitae Variant Classification Sherloc (09022015). Collection method: clinical testing. Allele origin: germline.
Comment: In summary, the available evidence is currently insufficient to determine the role of this variant in disease. Therefore, it has been classified as a Variant of Uncertain Significance. Algorithms developed to predict the effect of missense changes on protein structure and function are either unavailable or do not agree on the potential impact of this missense change (SIFT: "Deleterious"; PolyPhen-2: "Benign"; Align-GVGD: "Class C0"). This variant has not been reported in the literature in individuals affected with TRIM8-related conditions. This variant is not present in population databases (gnomAD no frequency). This sequence change replaces valine, which is neutral and non-polar, with methionine, which is neutral and non-polar, at codon 396 of the TRIM8 protein (p.Val396Met).